The following is an entry in ClinVar:

NM_002547.3(OPHN1):c.488C>T (p.Ala163Val)

Gene: OPHN1 (oligophrenin 1; minus strand). Cytogenetic location: Xq12.
Variant type: single nucleotide variant.
Coding change: c.488C>T on transcript NM_002547.3 (MANE Select); coding-DNA position 488, C replaced by T.
Protein change: p.Ala163Val; replaces alanine 163 with valine.
Molecular consequence: missense variant.
Genome position (GRCh38, 1-based): chrX:68,213,971, G>A on the plus strand (C>T on the coding strand, the complement: OPHN1 is on the minus strand). VCF-style: chrX-68213971-G-A. GRCh37 (hg19) VCF-style: chrX-67433813-G-A.
Other names: short protein forms A163V.
Identifiers: ClinVar variation 2577722 (VCV002577722.2), dbSNP rs2519808182, ClinGen allele CA413434756.

ClinVar aggregate classification (germline): Uncertain significance (1 of 4 stars; one submission).

Submission:

GeneDx
Classification: Uncertain significance. Last evaluated: 2023-12-27. Review status: criteria provided, single submitter. Criteria: GeneDx Variant Classification Process June 2021. Collection method: clinical testing. Allele origin: germline.
Comment: Not observed at significant frequency in large population cohorts (gnomAD); In silico analysis supports that this missense variant has a deleterious effect on protein structure/function; Has not been previously published as pathogenic or benign to our knowledge